The following is an entry in ClinVar:

NM_000277.3(PAH):c.1273G>A (p.Asp425Asn)

Gene: PAH (phenylalanine hydroxylase; minus strand). Cytogenetic location: 12q23.2.
Variant type: single nucleotide variant.
Coding change: c.1273G>A on transcript NM_000277.3 (MANE Select); coding-DNA position 1273, G replaced by A.
Protein change: p.Asp425Asn; replaces aspartic acid 425 with asparagine.
Molecular consequence: missense variant.
Genome position (GRCh38, 1-based): chr12:102,840,442, C>T on the plus strand (G>A on the coding strand, the complement: PAH is on the minus strand). VCF-style: chr12-102840442-C-T. GRCh37 (hg19) VCF-style: chr12-103234220-C-T.
Other names: c.1273G>A, p.Asp425Asn (NM_001354304.2); short protein forms D425N.
Identifiers: ClinVar variation 2682032 (VCV002682032.1), dbSNP rs1439603624, ClinGen allele CA386493001.

ClinVar aggregate classification (germline): Uncertain significance (1 of 4 stars; one submission).

Allele frequency attached by ClinVar (database versions not stated): gnomAD exomes below 0.00001; gnomAD 0.00001; TOPMed 0.00002.
gnomAD v4.1: 3 of 1,613,814 alleles (0.00019%); highest among the groups gnomAD compares: African/African-American, 0.004%; no homozygotes.

Submission:

Quest Diagnostics Nichols Institute San Juan Capistrano
Classification: Uncertain significance. Last evaluated: 2023-01-19. Review status: criteria provided, single submitter. Criteria: Quest Diagnostics criteria. Collection method: clinical testing. Allele origin: unknown.
Comment: This variant has not been reported in the published literature. The frequency of this variant in the general population, 0.000004 (1/251444 chromosomes), is uninformative in assessment of its pathogenicity. Analysis of this variant using bioinformatics tools for the prediction of the effect of amino acid changes on protein structure and function yielded conflicting predictions that this variant is deleterious or benign. Based on the available information, we are unable to determine the clinical significance of this variant.